The following is an entry in ClinVar:

NM_000088.4(COL1A1):c.1109G>A (p.Arg370His)

Gene: COL1A1 (collagen type I alpha 1 chain; minus strand). Cytogenetic location: 17q21.33.
Variant type: single nucleotide variant.
Coding change: c.1109G>A on transcript NM_000088.4 (MANE Select); coding-DNA position 1109, G replaced by A.
Protein change: p.Arg370His; replaces arginine 370 with histidine.
Molecular consequence: missense variant.
Genome position (GRCh38, 1-based): chr17:50,195,613, C>T on the plus strand (G>A on the coding strand, the complement: COL1A1 is on the minus strand). VCF-style: chr17-50195613-C-T. GRCh37 (hg19) VCF-style: chr17-48272974-C-T.
Other names: short protein forms R370H.
Identifiers: ClinVar variation 1027156 (VCV001027156.12), dbSNP rs750756697, ClinGen allele CA8645393.

ClinVar aggregate classification (germline): Conflicting classifications of pathogenicity. Review status: criteria provided, conflicting classifications (1 of 4 stars). 6 submissions from 6 submitters: Uncertain significance (4); Benign (1); Likely benign (1). Last evaluated 2026-04-14.

Conditions:
Osteogenesis imperfecta type I (OI1). Also called: Classic Non-deforming Osteogenesis Imperfecta with Blue Sclerae; OI, TYPE I; OSTEOGENESIS IMPERFECTA TARDA; OSTEOGENESIS IMPERFECTA WITH BLUE SCLERAE; Osteogenesis imperfecta type 1; Lobstein's Disease. Identifiers: Orphanet 216796, Orphanet 666, MedGen C0023931, MONDO:0008146, OMIM 166200. Disease mechanism: loss of function.
Ehlers-Danlos syndrome, arthrochalasia type. Also called: ARTHROCHALASIS MULTIPLEX CONGENITA; EDS VII, MUTANT PROCOLLAGEN TYPE; EDS VIIA; Ehlers-Danlos syndrome, arthrochalasis type; Ehlers-Danlos syndrome, arthrochalasia type, 1. Identifiers: Orphanet 1899, Orphanet 99875, Orphanet 99876, MedGen C4551623, MONDO:0007525, OMIM 130060.
Osteogenesis imperfecta, perinatal lethal (OI2). Also called: OSTEOGENESIS IMPERFECTA, TYPE II; OI, TYPE II; OSTEOGENESIS IMPERFECTA CONGENITA; VROLIK TYPE OF OSTEOGENESIS IMPERFECTA; Osteogenesis imperfecta type 2; Osteogenesis imperfecta, dominant perinatal lethal. Identifiers: Orphanet 216804, MedGen C0268358, MONDO:0008147, OMIM 166210.
Osteogenesis imperfecta type III (OI3). Also called: Progressively Deforming Osteogenesis Imperfecta; Osteogenesis imperfecta type 3; OI type 3; Osteogenesis imperfecta, progressively deforming with normal sclerae; OI type III. Identifiers: Orphanet 216812, Orphanet 666, MedGen C0268362, MONDO:0009804, OMIM 259420.
Osteogenesis imperfecta with normal sclerae, dominant form (OI4). Also called: OSTEOGENESIS IMPERFECTA, TYPE IV, WITH DENTINOGENESIS IMPERFECTA; Common Variable Osteogenesis Imperfecta with Normal Sclerae; OSTEOGENESIS IMPERFECTA WITH NORMAL SCLERAE; Osteogenesis imperfecta type 4; Osteogenesis Imperfecta Type IV. Identifiers: Orphanet 216820, Orphanet 666, MedGen C0268363, MONDO:0008148, OMIM 166220.
COL1A1-related disorder. Also called: COL1A1- related disease; COL1A1-related condition.
Cardiovascular phenotype. Identifiers: MedGen CN230736.

Allele frequency attached by ClinVar (database versions not stated): TOPMed 0.00002; ExAC 0.00004; gnomAD 0.00004 and 0.00005; gnomAD exomes 0.00004.
gnomAD v4.1: 70 of 1,613,824 alleles (0.0043%); highest among the groups gnomAD compares: South Asian, 0.013%; no homozygotes.

Submissions (6):

Women's Health and Genetics/Laboratory Corporation of America, LabCorp
Classification: Likely benign. Last evaluated: 2026-04-14. Review status: criteria provided, single submitter. Criteria: LabCorp Variant Classification Summary - May 2015. Collection method: clinical testing. Allele origin: germline.
Comment: Variant summary: COL1A1 c.1109G>A (p.Arg370His) results in a non-conservative amino acid change in the encoded protein sequence. Algorithms developed to predict the effect of missense changes on protein structure and function all suggest that this variant is likely to be disruptive. The variant allele was found at a frequency of 4e-05 in 251178 control chromosomes. The observed variant frequency exceeds the estimated maximal expected allele frequency for disease-causing variants in COL1A1. To our knowledge, no occurrence of c.1109G>A in individuals affected with COL1A1-related conditions and no experimental evidence demonstrating its impact on protein function have been reported. ClinVar contains an entry for this variant (Variation ID: 1027156). Based on the evidence outlined above, the variant was classified as likely benign.

Ambry Genetics
Classification: Uncertain significance for Cardiovascular phenotype. Last evaluated: 2026-02-16. Review status: criteria provided, single submitter. Criteria: Ambry Variant Classification Scheme 2023. Collection method: clinical testing. Allele origin: germline.
Comment: The c.1109G>A (p.R370H) alteration is located in exon 17 (coding exon 17) of the COL1A1 gene. This alteration results from a G to A substitution at nucleotide position 1109, causing the arginine (R) at amino acid position 370 to be replaced by a histidine (H). Based on data from gnomAD, the A allele has an overall frequency of 0.004% (11/282484) total alleles studied. The highest observed frequency was 0.013% (4/30616) of South Asian alleles. Based on insufficient or conflicting evidence, the clinical significance of this alteration remains unclear.

Labcorp Genetics (formerly Invitae), Labcorp
Classification: Benign for Osteogenesis imperfecta type I. Last evaluated: 2026-01-06. Review status: criteria provided, single submitter. Criteria: Invitae Variant Classification Sherloc (09022015). Collection method: clinical testing. Allele origin: germline.

PreventionGenetics, part of Exact Sciences
Classification: Uncertain significance for COL1A1-related condition. Last evaluated: 2025-09-10. Review status: criteria provided, single submitter. Criteria: ACMG Guidelines, 2015. Collection method: clinical testing. Allele origin: germline.
Comment: The COL1A1 c.1109G>A variant is predicted to result in the amino acid substitution p.Arg370His. To our knowledge, this variant has not been reported in the literature. This variant is reported in 0.013% of alleles in individuals of South Asian descent in gnomAD. Although we suspect that this variant may be benign, at this time, the clinical significance of this variant is uncertain due to the absence of conclusive functional and genetic evidence.

GeneDx
Classification: Uncertain significance. Last evaluated: 2024-10-08. Review status: criteria provided, single submitter. Criteria: GeneDx Variant Classification Process June 2021. Collection method: clinical testing. Allele origin: germline. Affected: yes.
Comment: Occurs in the triple helical domain at the Y position in the canonical Gly-X-Y repeat; although this variant may have an effect on normal protein folding and function, missense substitution at the Y position is not a common mechanism of disease (HGMD); Has not been previously published as pathogenic or benign to our knowledge; In silico analysis supports that this missense variant has a deleterious effect on protein structure/function; In silico analysis suggests this variant may impact gene splicing. In the absence of RNA/functional studies, the actual effect of this sequence change is unknown.

Institute of Immunology and Genetics Kaiserslautern
Classification: Uncertain significance for Ehlers-Danlos syndrome, arthrochalasia type; Osteogenesis imperfecta type I; Osteogenesis imperfecta, perinatal lethal; Osteogenesis imperfecta with normal sclerae, dominant form; Osteogenesis imperfecta type III. Last evaluated: 2024-04-25. Review status: criteria provided, single submitter. Criteria: ACMG Guidelines, 2015. Collection method: clinical testing. Allele origin: germline. Affected: yes.
Comment: ACMG Criteria: PM2, PP3, PP2; Variant was found in heterozygous state